The following is an entry in ClinVar:

NM_000073.3(CD3G):c.458T>C (p.Leu153Pro)

Gene: CD3G (CD3 gamma subunit of T-cell receptor complex; plus strand). Cytogenetic location: 11q23.3.
Variant type: single nucleotide variant.
Coding change: c.458T>C on transcript NM_000073.3 (MANE Select); coding-DNA position 458, T replaced by C.
Protein change: p.Leu153Pro; replaces leucine 153 with proline.
Molecular consequence: missense variant.
Genome position (GRCh38, 1-based): chr11:118,351,646, T>C. VCF-style: chr11-118351646-T-C. GRCh37 (hg19) VCF-style: chr11-118222361-T-C.
Other names: short protein forms L153P.
Identifiers: ClinVar variation 1382299 (VCV001382299.8), dbSNP rs1948410884, ClinGen allele CA382794282.

ClinVar aggregate classification (germline): Uncertain significance (1 of 4 stars; one submission).

Conditions:
Combined immunodeficiency due to CD3gamma deficiency. Also called: Immunodeficiency 17, CD3 gamma deficient; CD3-GAMMA DEFICIENCY; SCID-LIKE IMMUNODEFICIENCY, T CELL-PARTIAL, B CELL-POSITIVE, NK CELL-POSITIVE; Immunodeficiency 17. Identifiers: Orphanet 169082, MedGen C3810107, MONDO:0014276, OMIM 615607.

Allele frequency attached by ClinVar (database versions not stated): gnomAD exomes below 0.00001; gnomAD 0.00001.
gnomAD v4.1: 2 of 1,613,960 alleles (0.00012%); highest among the groups gnomAD compares: Non-Finnish European, 0.00017%; no homozygotes.

Submission:

Labcorp Genetics (formerly Invitae), Labcorp
Classification: Uncertain significance for Combined immunodeficiency due to CD3gamma deficiency. Last evaluated: 2020-12-19. Review status: criteria provided, single submitter. Criteria: Invitae Variant Classification Sherloc (09022015). Collection method: clinical testing. Allele origin: germline.
Comment: Algorithms developed to predict the effect of missense changes on protein structure and function (SIFT, PolyPhen-2, Align-GVGD) all suggest that this variant is likely to be disruptive, but these predictions have not been confirmed by published functional studies and their clinical significance is uncertain. This variant has not been reported in the literature in individuals with CD3G-related conditions. This variant is not present in population databases (ExAC no frequency). This sequence change replaces leucine with proline at codon 153 of the CD3G protein (p.Leu153Pro). The leucine residue is highly conserved and there is a moderate physicochemical difference between leucine and proline. In summary, the available evidence is currently insufficient to determine the role of this variant in disease. Therefore, it has been classified as a Variant of Uncertain Significance.